The following is an entry in ClinVar:

NM_006421.5(ARFGEF1):c.2474A>C (p.Tyr825Ser)

Gene: ARFGEF1 (ARF guanine nucleotide exchange factor 1; minus strand). Cytogenetic location: 8q13.2.
Variant type: single nucleotide variant.
Coding change: c.2474A>C on transcript NM_006421.5 (MANE Select); coding-DNA position 2474, A replaced by C.
Protein change: p.Tyr825Ser; replaces tyrosine 825 with serine.
Molecular consequence: missense variant. On other transcripts: non-coding transcript variant (1).
Genome position (GRCh38, 1-based): chr8:67,257,784, T>G on the plus strand (A>C on the coding strand, the complement: ARFGEF1 is on the minus strand). VCF-style: chr8-67257784-T-G. GRCh37 (hg19) VCF-style: chr8-68170019-T-G.
Other names: c.2474A>C, p.Tyr825Ser (NM_001413190.1, NM_001413191.1, NM_001413192.1 and 7 more transcripts); c.1874A>C, p.Tyr625Ser (NM_001413193.1, NM_001413197.1, NM_001413188.1); c.1049A>C, p.Tyr350Ser (NM_001413196.1); short protein forms Y350S, Y625S, Y825S.
Identifiers: ClinVar variation 4822943 (VCV004822943.4).

ClinVar aggregate classification (germline): Uncertain significance (1 of 4 stars; one submission).

Submission:

CeGaT Center for Human Genetics Tuebingen
Classification: Uncertain significance. Last evaluated: 2026-01-01. Review status: criteria provided, single submitter. Criteria: CeGaT Center For Human Genetics Tuebingen Variant Classification Criteria Version 2. Collection method: clinical testing. Allele origin: germline. Affected: yes. Observed: 1 variant allele.
Comment: ARFGEF1: PM2, PP2, PP3